The following is an entry in ClinVar:

ClinVar aggregate classification (germline): Conflicting classifications of pathogenicity. Review status: criteria provided, conflicting classifications (1 of 4 stars). 3 submissions from 3 submitters: Likely pathogenic (1); Uncertain significance (2). Last evaluated 2025-07-11.

Conditions:
Familial thoracic aortic aneurysm and aortic dissection (TAAD). Also called: Thoracic aortic aneurysms and dissections. Identifiers: Orphanet 91387, MedGen C4707243, MONDO:0019625.
Marfan syndrome (MFS). Also called: FBN1-Related Marfan Syndrome; Marfan's syndrome; MARFAN SYNDROME, TYPE I; Marfan syndrome type 1; Marfan syndrome, classic. Identifiers: Orphanet 284963, Orphanet 558, MedGen C0024796, MONDO:0007947, OMIM 154700.

Submissions (3):

Labcorp Genetics (formerly Invitae), Labcorp
Classification: Likely pathogenic for Marfan syndrome; Familial thoracic aortic aneurysm and aortic dissection. Last evaluated: 2025-07-11. Review status: criteria provided, single submitter. Criteria: Invitae Variant Classification Sherloc (09022015). Collection method: clinical testing. Allele origin: germline.
Comment: This sequence change replaces glycine, which is neutral and non-polar, with arginine, which is basic and polar, at codon 70 of the FBN1 protein (p.Gly70Arg). This variant is not present in population databases (gnomAD no frequency). This variant has not been reported in the literature in individuals affected with FBN1-related conditions. ClinVar contains an entry for this variant (Variation ID: 850078). Invitae Evidence Modeling of protein sequence and biophysical properties (such as structural, functional, and spatial information, amino acid conservation, physicochemical variation, residue mobility, and thermodynamic stability) indicates that this missense variant is expected to disrupt FBN1 protein function with a positive predictive value of 95%. This variant disrupts the p.Gly70 amino acid residue in FBN1. Other variant(s) that disrupt this residue have been determined to be pathogenic (PMID: 26272055; internal data). This suggests that this residue is clinically significant, and that variants that disrupt this residue are likely to be disease-causing. In summary, the currently available evidence indicates that the variant is pathogenic, but additional data are needed to prove that conclusively. Therefore, this variant has been classified as Likely Pathogenic.

Women's Health and Genetics/Laboratory Corporation of America, LabCorp
Classification: Uncertain significance. Last evaluated: 2021-01-28. Review status: criteria provided, single submitter. Criteria: LabCorp Variant Classification Summary - May 2015. Collection method: clinical testing. Allele origin: germline.
Comment: Variant summary: FBN1 c.208G>A (p.Gly70Arg) results in a non-conservative amino acid change located in the Fibrillin 1, unique N-terminal domain (IPR040872) of the encoded protein sequence. Five of five in-silico tools predict a damaging effect of the variant on protein function. The variant was absent in 249354 control chromosomes. The available data on variant occurrences in the general population are insufficient to allow any conclusion about variant significance. To our knowledge, no occurrence of c.208G>A in individuals affected with Marfan Syndrome and no experimental evidence demonstrating its impact on protein function have been reported. One clinical diagnostic laboratory has submitted clinical-significance assessments for this variant to ClinVar after 2014 without evidence for independent evaluation and classified the variant as uncertain significance. Based on the evidence outlined above, the variant was classified as uncertain significance.

Ambry Genetics
Classification: Uncertain significance for Familial thoracic aortic aneurysm and aortic dissection. Last evaluated: 2020-05-13. Review status: criteria provided, single submitter. Criteria: Ambry Variant Classification Scheme 2023. Collection method: clinical testing. Allele origin: germline.
Comment: The p.G70R variant (also known as c.208G>A), located in coding exon 2 of the FBN1 gene, results from a G to A substitution at nucleotide position 208. The glycine at codon 70 is replaced by arginine, an amino acid with dissimilar properties. A differnet variant affecting this codon (p.G70V, c.209G>T) has been detected in an individual with aortic dissection from a non-syndromic thoracic aortic aneurysm and dissection cohort (Guo J et al. Sci Rep, 2015 Aug;5:13115). This amino acid position is highly conserved in available vertebrate species. In addition, this alteration is predicted to be deleterious by in silico analysis. Since supporting evidence is limited at this time, the clinical significance of this alteration remains unclear.

Literature cited by the submitters: PubMed 26272055 (cited by Labcorp Genetics (formerly Invitae), Labcorp and Ambry Genetics).

NM_000138.5(FBN1):c.208G>A (p.Gly70Arg)

Gene: FBN1 (fibrillin 1; minus strand). Cytogenetic location: 15q21.1.
Variant type: single nucleotide variant.
Coding change: c.208G>A on transcript NM_000138.5 (MANE Select); coding-DNA position 208, G replaced by A.
Protein change: p.Gly70Arg; replaces glycine 70 with arginine.
Molecular consequence: missense variant.
Genome position (GRCh38, 1-based): chr15:48,613,049, C>T on the plus strand (G>A on the coding strand, the complement: FBN1 is on the minus strand). VCF-style: chr15-48613049-C-T. GRCh37 (hg19) VCF-style: chr15-48905246-C-T.
Other names: short protein forms G70R.
Identifiers: ClinVar variation 850078 (VCV000850078.12), dbSNP rs2044669023, ClinGen allele CA392448406.
Genomic context (GRCh38, chr15:48,613,049, plus strand): 5'-ACAAGTTTTCTATTTACTTACGGACAATACACTGATTTCCGCCAGGTAAGGTTTTCCATC[C>T]AGGGCAACAGTAAGCATTATAACGTGATCCACAGACATTGGGTCTAAAACAAAAACAGAA-3'
Protein context (NP_000129.3, residues 60-80): GSRYNAYCCP[Gly70Arg]WKTLPGGNQC